The following is an entry in ClinVar:

ClinVar aggregate classification (germline): Uncertain significance. Review status: criteria provided, multiple submitters, no conflicts (2 of 4 stars). 2 submissions from 2 submitters: Uncertain significance (2). Last evaluated 2025-05-17.

Conditions:
Inborn genetic diseases. Identifiers: MedGen C0950123, MeSH D030342.
Nemaline myopathy 2 (NEM2). Also called: Nemaline myopathy 2, autosomal recessive. Identifiers: MedGen C1850569, MONDO:0009725, OMIM 256030.

Submissions (2):

Ambry Genetics
Classification: Uncertain significance for Inborn genetic diseases. Last evaluated: 2025-05-17. Review status: criteria provided, single submitter. Criteria: Ambry Variant Classification Scheme 2023. Collection method: clinical testing. Allele origin: germline.

Labcorp Genetics (formerly Invitae), Labcorp
Classification: Uncertain significance for Nemaline myopathy 2. Last evaluated: 2021-08-27. Review status: criteria provided, single submitter. Criteria: Invitae Variant Classification Sherloc (09022015). Collection method: clinical testing. Allele origin: germline.
Comment: This sequence change replaces leucine with proline at codon 2295 of the NEB protein (p.Leu2295Pro). The leucine residue is moderately conserved and there is a moderate physicochemical difference between leucine and proline. This variant is not present in population databases (ExAC no frequency). This variant has not been reported in the literature in individuals affected with NEB-related conditions. Algorithms developed to predict the effect of missense changes on protein structure and function are either unavailable or do not agree on the potential impact of this missense change (SIFT: "Deleterious"; PolyPhen-2: "Not Available"; Align-GVGD: "Class C0"). In summary, the available evidence is currently insufficient to determine the role of this variant in disease. Therefore, it has been classified as a Variant of Uncertain Significance.

NM_001164508.2(NEB):c.6884T>C (p.Leu2295Pro)

Gene: NEB (nebulin; minus strand). Cytogenetic location: 2q23.3.
Variant type: single nucleotide variant.
Coding change: c.6884T>C on transcript NM_001164508.2 (MANE Select); coding-DNA position 6884, T replaced by C.
Protein change: p.Leu2295Pro; replaces leucine 2295 with proline.
Molecular consequence: missense variant.
Genome position (GRCh38, 1-based): chr2:151,654,023, A>G on the plus strand (T>C on the coding strand, the complement: NEB is on the minus strand). VCF-style: chr2-151654023-A-G. GRCh37 (hg19) VCF-style: chr2-152510537-A-G.
Other names: c.6884T>C, p.Leu2295Pro (NM_001164507.2, NM_001271208.2, NM_004543.5); c.6884T>C (NM_004543.4); short protein forms L2295P.
Identifiers: ClinVar variation 934159 (VCV000934159.8), dbSNP rs2099059670, ClinGen allele CA348793216.